The following is an entry in ClinVar:

ClinVar aggregate classification (germline): Likely benign. Review status: criteria provided, multiple submitters, no conflicts (2 of 4 stars). 4 submissions from 4 submitters: Likely benign (3). 1 of the submissions does not count toward it. Last evaluated 2026-06-01.

Conditions:
Cohen syndrome (COH1). Also called: Cutis verticis gyrata, retinitis pigmentosa, and sensorineural deafness; PEPPER SYNDROME. Identifiers: Orphanet 193, MedGen C0265223, MONDO:0008999, OMIM 216550.
VPS13B-related disorder. Also called: VPS13B-related condition.
Inborn genetic diseases. Identifiers: MedGen C0950123, MeSH D030342.

Allele frequency attached by ClinVar (database versions not stated): ExAC 0.00001; gnomAD 0.00001; gnomAD exomes 0.00001 and 0.00002; TOPMed 0.00003.
gnomAD v4.1: 9 of 1,614,010 alleles (0.00056%); highest among the groups gnomAD compares: Admixed American, 0.015%; no homozygotes.

Submissions (4):

CeGaT Center for Human Genetics Tuebingen
Classification: Likely benign. Last evaluated: 2026-06-01. Review status: criteria provided, single submitter. Criteria: CeGaT Center For Human Genetics Tuebingen Variant Classification Criteria Version 2. Collection method: clinical testing. Allele origin: germline. Affected: yes. Observed: 1 variant allele.
Comment: VPS13B: BP4, BP7

Labcorp Genetics (formerly Invitae), Labcorp
Classification: Likely benign for Cohen syndrome. Last evaluated: 2025-10-01. Review status: criteria provided, single submitter. Criteria: Invitae Variant Classification Sherloc (09022015). Collection method: clinical testing. Allele origin: germline.

Ambry Genetics
Classification: Likely benign for Inborn genetic diseases. Last evaluated: 2017-05-31. Review status: criteria provided, single submitter. Criteria: Ambry Variant Classification Scheme 2023. Collection method: clinical testing. Allele origin: germline.

PreventionGenetics, part of Exact Sciences
Classification: Likely benign for VPS13B-related condition. Last evaluated: 2022-03-24. Review status: no assertion criteria provided. Collection method: clinical testing. Allele origin: germline. Not counted in ClinVar's aggregate classification.
Comment: This variant is classified as likely benign based on ACMG/AMP sequence variant interpretation guidelines (Richards et al. 2015 PMID: 25741868, with internal and published modifications).

NM_152564.5(VPS13B):c.5469A>G (p.Leu1823=)

Gene: VPS13B (vacuolar protein sorting 13 homolog B; plus strand). Cytogenetic location: 8q22.2.
Variant type: single nucleotide variant.
Coding change: c.5469A>G on transcript NM_152564.5 (MANE Select); coding-DNA position 5469, A replaced by G.
Protein change: p.Leu1823=; no amino-acid change (leucine 1823 retained).
Molecular consequence: synonymous variant.
Genome position (GRCh38, 1-based): chr8:99,642,059, A>G. VCF-style: chr8-99642059-A-G. GRCh37 (hg19) VCF-style: chr8-100654287-A-G.
Other names: c.5544A>G, p.Leu1848= (NM_017890.5); c.5469A>G (NM_152564.4).
Identifiers: ClinVar variation 589229 (VCV000589229.20), dbSNP rs774190999, ClinGen allele CA4823825.